The following is an entry in ClinVar:

NM_021913.5(AXL):c.236C>T (p.Ala79Val)

Gene: AXL (AXL receptor tyrosine kinase; plus strand). Cytogenetic location: 19q13.2.
Variant type: single nucleotide variant.
Coding change: c.236C>T on transcript NM_021913.5 (MANE Select); coding-DNA position 236, C replaced by T.
Protein change: p.Ala79Val; replaces alanine 79 with valine.
Molecular consequence: missense variant.
Genome position (GRCh38, 1-based): chr19:41,220,786, C>T. VCF-style: chr19-41220786-C-T. GRCh37 (hg19) VCF-style: chr19-41726691-C-T.
Other names: c.236C>T, p.Ala79Val (NM_001699.6); short protein forms A79V.
Identifiers: ClinVar variation 732075 (VCV000732075.8), dbSNP rs776776986, ClinGen allele CA9457882.

ClinVar aggregate classification (germline): Conflicting classifications of pathogenicity. Review status: criteria provided, conflicting classifications (1 of 4 stars). 2 submissions from 2 submitters: Uncertain significance (1); Likely benign (1). Last evaluated 2024-04-16.

Allele frequency attached by ClinVar (database versions not stated): gnomAD 0.00005; TOPMed 0.00009.
gnomAD v4.1: 87 of 1,614,016 alleles (0.0054%); highest among the groups gnomAD compares: Admixed American, 0.13%; no homozygotes.

Submissions (2):

Labcorp Genetics (formerly Invitae), Labcorp
Classification: Likely benign. Last evaluated: 2024-04-16. Review status: criteria provided, single submitter. Criteria: Invitae Variant Classification Sherloc (09022015). Collection method: clinical testing. Allele origin: germline.

Women's Health and Genetics/Laboratory Corporation of America, LabCorp
Classification: Uncertain significance. Last evaluated: 2023-12-11. Review status: criteria provided, single submitter. Criteria: LabCorp Variant Classification Summary - May 2015. Collection method: clinical testing. Allele origin: germline.
Comment: Variant summary: AXL c.236C>T (p.Ala79Val) results in a non-conservative amino acid change located in the Immunoglobulin-like domain (IPR007110) of the encoded protein sequence. Three of five in-silico tools predict a benign effect of the variant on protein function. The variant allele was found at a frequency of 0.00028 in 251344 control chromosomes. This frequency does not allow for any conclusion about variant significance. To our knowledge, no occurrence of c.236C>T in individuals affected with Hypogonadotropic Hypogonadism 7 With Or Without Anosmia and no experimental evidence demonstrating its impact on protein function have been reported. One submitter has cited clinical-significance assessments for this variant to ClinVar after 2014 and has classified the variant as likely benign. Based on the evidence outlined above, the variant was classified as uncertain significance.